The following is an entry in ClinVar:

ClinVar aggregate classification (germline): Uncertain significance. Review status: criteria provided, multiple submitters, no conflicts (2 of 4 stars). 2 submissions from 2 submitters: Uncertain significance (2). Last evaluated 2022-07-29.

Conditions:
Leber congenital amaurosis 4 (LCA4). Identifiers: MedGen C1858386, MONDO:0011458, OMIM 604393.

Allele frequency attached by ClinVar (database versions not stated): TOPMed 0.00013.
gnomAD v4.1: 34 of 1,612,852 alleles (0.0021%); highest among the groups gnomAD compares: African/African-American, 0.045%; no homozygotes.

Submissions (2):

Blueprint Genetics
Classification: Uncertain significance. Last evaluated: 2022-07-29. Review status: criteria provided, single submitter. Criteria: ACMG Guidelines, 2015. Collection method: clinical testing. Allele origin: germline.

Labcorp Genetics (formerly Invitae), Labcorp
Classification: Uncertain significance for Leber congenital amaurosis 4. Last evaluated: 2022-07-05. Review status: criteria provided, single submitter. Criteria: Invitae Variant Classification Sherloc (09022015). Collection method: clinical testing. Allele origin: germline.
Comment: This sequence change replaces valine, which is neutral and non-polar, with glycine, which is neutral and non-polar, at codon 33 of the AIPL1 protein (p.Val33Gly). This variant is present in population databases (rs16955859, gnomAD 0.05%). This variant has not been reported in the literature in individuals affected with AIPL1-related conditions. ClinVar contains an entry for this variant (Variation ID: 1017330). Algorithms developed to predict the effect of missense changes on protein structure and function are either unavailable or do not agree on the potential impact of this missense change (SIFT: "Deleterious"; PolyPhen-2: "Probably Damaging"; Align-GVGD: "Class C0"). Algorithms developed to predict the effect of sequence changes on RNA splicing suggest that this variant may disrupt the consensus splice site. In summary, the available evidence is currently insufficient to determine the role of this variant in disease. Therefore, it has been classified as a Variant of Uncertain Significance.

NM_014336.5(AIPL1):c.98T>G (p.Val33Gly)

Gene: AIPL1 (AIP like 1 HSP90 co-chaperone; minus strand). Cytogenetic location: 17p13.2.
Variant type: single nucleotide variant.
Coding change: c.98T>G on transcript NM_014336.5 (MANE Select); coding-DNA position 98, T replaced by G.
Protein change: p.Val33Gly; replaces valine 33 with glycine.
Molecular consequence: missense variant. On other transcripts: 5 prime UTR variant (1), intron variant (3).
Genome position (GRCh38, 1-based): chr17:6,434,097, A>C on the plus strand (T>G on the coding strand, the complement: AIPL1 is on the minus strand). VCF-style: chr17-6434097-A-C. GRCh37 (hg19) VCF-style: chr17-6337417-A-C.
Other names: c.98T>G, p.Val33Gly (NM_001033054.3, NM_001285401.3, NM_001285403.4); c.-20T>G (NM_001285402.2); c.96+912T>G (NM_001033055.3); c.97-65T>G (NM_001285400.3); c.97-35T>G (NM_001285399.3); short protein forms V33G.
Identifiers: ClinVar variation 1017330 (VCV001017330.5), dbSNP rs16955859, ClinGen allele CA8328624.